The following is an entry in ClinVar:

NM_004360.5(CDH1):c.671G>T (p.Arg224Leu)

Gene: CDH1 (cadherin 1; plus strand). Cytogenetic location: 16q22.1.
Variant type: single nucleotide variant.
Coding change: c.671G>T on transcript NM_004360.5 (MANE Select); coding-DNA position 671, G replaced by T.
Protein change: p.Arg224Leu; replaces arginine 224 with leucine.
Molecular consequence: missense variant. On other transcripts: 5 prime UTR variant (2).
Genome position (GRCh38, 1-based): chr16:68,808,832, G>T. VCF-style: chr16-68808832-G-T. GRCh37 (hg19) VCF-style: chr16-68842735-G-T.
Other names: p.R224L:CGC>CTC; c.671G>T (LRG_301t1); c.671G>T, p.Arg224Leu (NM_001317184.2); c.-945G>T (NM_001317185.2); c.-1149G>T (NM_001317186.2); short protein forms R224L.
Identifiers: ClinVar variation 182392 (VCV000182392.28), dbSNP rs201511530, ClinGen allele CA298971.

ClinVar aggregate classification (germline): Conflicting classifications of pathogenicity. Review status: criteria provided, conflicting classifications (1 of 4 stars). 6 submissions from 6 submitters: Uncertain significance (5); Likely benign (1). Last evaluated 2025-12-10.

Conditions:
Hereditary cancer-predisposing syndrome. Also called: Tumor predisposition; Hereditary Cancer Syndrome; Hereditary neoplastic syndrome; Neoplastic Syndromes, Hereditary. Identifiers: Orphanet 140162, MedGen C0027672, MeSH D009386, MONDO:0015356.
Hereditary diffuse gastric adenocarcinoma (HDGC). Also called: DIFFUSE GASTRIC AND LOBULAR BREAST CANCER SYNDROME. Identifiers: Orphanet 26106, MedGen C1708349, MONDO:0007648, OMIM 137215.

gnomAD v4.1: 4 of 1,613,860 alleles (0.00025%); highest among the groups gnomAD compares: Non-Finnish European, 0.00034%; no homozygotes.

Submissions (6):

Labcorp Genetics (formerly Invitae), Labcorp
Classification: Uncertain significance for Hereditary diffuse gastric adenocarcinoma. Last evaluated: 2025-12-10. Review status: criteria provided, single submitter. Criteria: Invitae Variant Classification Sherloc (09022015). Collection method: clinical testing. Allele origin: germline.
Comment: This sequence change replaces arginine, which is basic and polar, with leucine, which is neutral and non-polar, at codon 224 of the CDH1 protein (p.Arg224Leu). This variant is not present in population databases (gnomAD no frequency). This variant has not been reported in the literature in individuals affected with CDH1-related conditions. ClinVar contains an entry for this variant (Variation ID: 182392). An algorithm developed to predict the effect of missense changes on protein structure and function (PolyPhen-2) suggests that this variant is likely to be tolerated. In summary, the available evidence is currently insufficient to determine the role of this variant in disease. Therefore, it has been classified as a Variant of Uncertain Significance.

Women's Health and Genetics/Laboratory Corporation of America, LabCorp
Classification: Uncertain significance. Last evaluated: 2025-02-13. Review status: criteria provided, single submitter. Criteria: LabCorp Variant Classification Summary - May 2015. Collection method: clinical testing. Allele origin: germline.
Comment: Variant summary: CDH1 c.671G>T (p.Arg224Leu) results in a non-conservative amino acid change located in the cadherin repeats (IPR002126) of the encoded protein sequence. Four of five in-silico tools predict a benign effect of the variant on protein function. The variant was absent in 250850 control chromosomes (gnomAD). The available data on variant occurrences in the general population are insufficient to allow any conclusion about variant significance. To our knowledge, no occurrence of c.671G>T in individuals affected with Hereditary Diffuse Gastric Cancer and no experimental evidence demonstrating its impact on protein function have been reported. ClinVar contains an entry for this variant (Variation ID: 182392). Based on the evidence outlined above, the variant was classified as uncertain significance.

Quest Diagnostics Nichols Institute San Juan Capistrano
Classification: Uncertain significance. Last evaluated: 2024-12-11. Review status: criteria provided, single submitter. Criteria: Quest Diagnostics criteria. Collection method: clinical testing. Allele origin: unknown.
Comment: The CDH1 c.671G>T (p.Arg224Leu) variant has not been reported in individuals with CDH1-related conditions in the published literature. The frequency of this variant in the general population (Genome Aggregation Database) is uninformative in the assessment of its pathogenicity. Analysis of this variant using bioinformatics tools for the prediction of the effect of amino acid changes on protein structure and function yielded predictions that this variant is benign. Based on the available information, we are unable to determine the clinical significance of this variant.

GeneDx
Classification: Uncertain significance. Last evaluated: 2023-04-11. Review status: criteria provided, single submitter. Criteria: GeneDx Variant Classification Process June 2021. Collection method: clinical testing. Allele origin: germline. Affected: yes.
Comment: Not observed at significant frequency in large population cohorts (gnomAD); In silico analysis supports that this missense variant does not alter protein structure/function; Has not been previously published as pathogenic or benign to our knowledge; This variant is associated with the following publications: (PMID: 15235021, 22850631)

Ambry Genetics
Classification: Likely benign for Hereditary cancer-predisposing syndrome. Last evaluated: 2023-01-05. Review status: criteria provided, single submitter. Criteria: Ambry Variant Classification Scheme 2023. Collection method: clinical testing. Allele origin: germline.

Color Diagnostics, LLC DBA Color Health
Classification: Uncertain significance for Hereditary cancer-predisposing syndrome. Last evaluated: 2022-02-15. Review status: criteria provided, single submitter. Criteria: ACMG Guidelines, 2015. Collection method: clinical testing. Allele origin: germline.
Comment: This missense variant replaces arginine with leucine at codon 224 of the CDH1 protein. To our knowledge, functional studies have not been reported for this variant. This variant has not been reported in individuals affected with hereditary cancer in the literature. This variant has not been identified in the general population by the Genome Aggregation Database (gnomAD). The available evidence is insufficient to determine the role of this variant in disease conclusively. Therefore, this variant is classified as a Variant of Uncertain Significance.